The following is an entry in ClinVar:

NM_007332.3(TRPA1):c.1373G>A (p.Arg458His)

Genes: MSC-AS1 (MSC antisense RNA 1; plus strand), TRPA1 (transient receptor potential cation channel subfamily A member 1; minus strand). Cytogenetic location: 8q21.11.
Variant type: single nucleotide variant.
Coding change: c.1373G>A on transcript NM_007332.3 (MANE Select); coding-DNA position 1373, G replaced by A.
Protein change: p.Arg458His; replaces arginine 458 with histidine.
Molecular consequence: missense variant. On other transcripts: non-coding transcript variant (2).
Genome position (GRCh38, 1-based): chr8:72,055,592, C>T on the plus strand (G>A on the coding strand, the complement: TRPA1 is on the minus strand). VCF-style: chr8-72055592-C-T. GRCh37 (hg19) VCF-style: chr8-72967827-C-T.
Other names: short protein forms R458H.
Identifiers: ClinVar variation 4526118 (VCV004526118.3).

ClinVar aggregate classification (germline): Likely benign. Review status: criteria provided, multiple submitters, no conflicts (2 of 4 stars). 2 submissions from 2 submitters: Likely benign (2). Last evaluated 2026-06-01.

gnomAD v4.1: 558 of 1,613,156 alleles (0.035%); highest among the groups gnomAD compares: African/African-American, 0.46%; 5 homozygotes.

Submissions (2):

CeGaT Center for Human Genetics Tuebingen
Classification: Likely benign. Last evaluated: 2026-06-01. Review status: criteria provided, single submitter. Criteria: CeGaT Center For Human Genetics Tuebingen Variant Classification Criteria Version 2. Collection method: clinical testing. Allele origin: germline. Affected: yes. Observed: 1 variant allele.
Comment: TRPA1: BS1

Women's Health and Genetics/Laboratory Corporation of America, LabCorp
Classification: Likely benign. Last evaluated: 2025-07-07. Review status: criteria provided, single submitter. Criteria: LabCorp Variant Classification Summary - May 2015. Collection method: clinical testing. Allele origin: germline.
Comment: Variant summary: TRPA1 c.1373G>A (p.Arg458His) results in a non-conservative amino acid change in the encoded protein sequence. Algorithms developed to predict the effect of missense changes on protein structure and function are either unavailable or do not agree on the potential impact of this missense change. The variant allele was found at a frequency of 0.00036 in 250208 control chromosomes, predominantly at a frequency of 0.0039 within the African or African-American subpopulation in the gnomAD database, including 1 homozygotes. The observed variant frequency within African or African-American control individuals in the gnomAD database exceeds the estimated maximal expected allele frequency for a pathogenic variant in TRPA1 causing Familial episodic pain syndrome with predominantly upper body involvement phenotype. To our knowledge, no occurrence of c.1373G>A in individuals affected with Familial episodic pain syndrome with predominantly upper body involvement and no experimental evidence demonstrating its impact on protein function have been reported. No submitters have cited clinical-significance assessments for this variant to ClinVar. Based on the evidence outlined above, the variant was classified as likely benign.

Literature cited by the submitters: PubMed 37079850 (cited by Women's Health and Genetics/Laboratory Corporation of America, LabCorp).